The following is an entry in ClinVar:

NM_000059.4(BRCA2):c.-40+164G>A

Gene: BRCA2 (BRCA2 DNA repair associated; plus strand). Cytogenetic location: 13q13.1.
Variant type: single nucleotide variant.
Coding change: c.-40+164G>A on transcript NM_000059.4 (MANE Select); 164 bases into the intron after 40 bases upstream of the start codon, G replaced by A.
Molecular consequence: intron variant.
Genome position (GRCh38, 1-based): chr13:32,315,831, G>A. VCF-style: chr13-32315831-G-A. GRCh37 (hg19) VCF-style: chr13-32889968-G-A.
Other names: IVS 1+164G>A.
Identifiers: ClinVar variation 209930 (VCV000209930.3), dbSNP rs206119, ClinGen allele CA276897.

ClinVar aggregate classification (germline): Benign. Review status: reviewed by expert panel (3 of 4 stars). 2 submissions from 2 submitters: Benign (1). 1 of the submissions does not count toward it. Last evaluated 2015-01-12.

Conditions:
Breast-ovarian cancer, familial, susceptibility to, 2 (BROVCA2). Also called: BRCA2 Hereditary Breast and Ovarian Cancer. Identifiers: Orphanet 145, MedGen C2675520, MONDO:0012933, OMIM 612555. Disease mechanism: loss of function.

Allele frequency attached by ClinVar (database versions not stated): TOPMed 0.71982; gnomAD 0.72006 and 0.72673; 1000 Genomes Project 30x 0.73766; 1000 Genomes Project 0.74121.

Submissions (2):

Evidence-based Network for the Interpretation of Germline Mutant Alleles (ENIGMA)
Classification: Benign for Breast-ovarian cancer, familial 2. Last evaluated: 2015-01-12. Review status: reviewed by expert panel. Criteria: ENIGMA BRCA1/2 Classification Criteria (2015). Collection method: curation. Allele origin: germline.
Comment: Class 1 not pathogenic based on frequency >1% in an outbred sampleset. Frequency 0.8636 (Asian), 0.5285 (African), 0.777 (European), derived from 1000 genomes (2012-04-30).

GeneDx
Classification: Benign. Last evaluated: 2018-06-22. Review status: criteria provided, single submitter. Criteria: GeneDx Variant Classification Process June 2021. Collection method: clinical testing. Allele origin: germline. Affected: yes. Not counted in ClinVar's aggregate classification.